The following is an entry in ClinVar:

NM_006662.3(SRCAP):c.5378C>T (p.Ala1793Val)

Gene: SRCAP (Snf2 related CREBBP activator protein; plus strand). Cytogenetic location: 16p11.2.
Variant type: single nucleotide variant.
Coding change: c.5378C>T on transcript NM_006662.3 (MANE Select); coding-DNA position 5378, C replaced by T.
Protein change: p.Ala1793Val; replaces alanine 1793 with valine.
Molecular consequence: missense variant.
Genome position (GRCh38, 1-based): chr16:30,724,802, C>T. VCF-style: chr16-30724802-C-T. GRCh37 (hg19) VCF-style: chr16-30736123-C-T.
Other names: short protein forms A1793V.
Identifiers: ClinVar variation 3026000 (VCV003026000.22), dbSNP rs2506682818, ClinGen allele CA395618204.

ClinVar aggregate classification (germline): Uncertain significance (1 of 4 stars; one submission).

Submission:

CeGaT Center for Human Genetics Tuebingen
Classification: Uncertain significance. Last evaluated: 2024-01-01. Review status: criteria provided, single submitter. Criteria: CeGaT Center For Human Genetics Tuebingen Variant Classification Criteria Version 2. Collection method: clinical testing. Allele origin: germline. Affected: yes. Observed: 1 variant allele.
Comment: SRCAP: PM2